The following is an entry in ClinVar:

NM_003136.4(SRP54):c.533A>C (p.Lys178Thr)

Gene: SRP54 (signal recognition particle 54; plus strand). Cytogenetic location: 14q13.2.
Variant type: single nucleotide variant.
Coding change: c.533A>C on transcript NM_003136.4 (MANE Select); coding-DNA position 533, A replaced by C.
Protein change: p.Lys178Thr; replaces lysine 178 with threonine.
Molecular consequence: missense variant.
Genome position (GRCh38, 1-based): chr14:35,011,556, A>C. VCF-style: chr14-35011556-A-C. GRCh37 (hg19) VCF-style: chr14-35480762-A-C.
Other names: c.386A>C, p.Lys129Thr (NM_001146282.2); c.533A>C, p.Lys178Thr (NM_001411017.1); short protein forms K178T, K129T.
Identifiers: ClinVar variation 2818129 (VCV002818129.3), dbSNP rs2502754797, ClinGen allele CA389441159.

ClinVar aggregate classification (germline): Uncertain significance (1 of 4 stars; one submission).

Submission:

Labcorp Genetics (formerly Invitae), Labcorp
Classification: Uncertain significance. Last evaluated: 2023-02-06. Review status: criteria provided, single submitter. Criteria: Invitae Variant Classification Sherloc (09022015). Collection method: clinical testing. Allele origin: germline.
Comment: In summary, the available evidence is currently insufficient to determine the role of this variant in disease. Therefore, it has been classified as a Variant of Uncertain Significance. Advanced modeling of protein sequence and biophysical properties (such as structural, functional, and spatial information, amino acid conservation, physicochemical variation, residue mobility, and thermodynamic stability) performed at Invitae indicates that this missense variant is not expected to disrupt SRP54 protein function. This variant has not been reported in the literature in individuals affected with SRP54-related conditions. This variant is not present in population databases (gnomAD no frequency). This sequence change replaces lysine, which is basic and polar, with threonine, which is neutral and polar, at codon 178 of the SRP54 protein (p.Lys178Thr).